The following is an entry in ClinVar:

NM_001387430.1(SH2B1):c.1202G>A (p.Arg401Lys)

Gene: SH2B1 (SH2B adaptor protein 1; plus strand). Cytogenetic location: 16p11.2.
Variant type: single nucleotide variant.
Coding change: c.1202G>A on transcript NM_001387430.1 (MANE Select); coding-DNA position 1202, G replaced by A.
Protein change: p.Arg401Lys; replaces arginine 401 with lysine.
Molecular consequence: missense variant.
Genome position (GRCh38, 1-based): chr16:28,869,276, G>A. VCF-style: chr16-28869276-G-A. GRCh37 (hg19) VCF-style: chr16-28880597-G-A.
Other names: c.1202G>A, p.Arg401Lys (NM_001145795.2, NM_001145796.2, NM_001145797.2 and 4 more transcripts); c.194G>A, p.Arg65Lys (NM_001308294.2); short protein forms R401K, R65K.
Identifiers: ClinVar variation 3351314 (VCV003351314.1).

ClinVar aggregate classification (germline): Uncertain significance (0 of 4 stars; one submission).

Conditions:
SH2B1-related disorder. Also called: SH2B1-related condition.

gnomAD v4.1: 26 of 1,614,040 alleles (0.0016%); highest among the groups gnomAD compares: Non-Finnish European, 0.0021%; no homozygotes.

Submission:

PreventionGenetics, part of Exact Sciences
Classification: Uncertain significance for SH2B1-related condition. Last evaluated: 2024-04-24. Review status: no assertion criteria provided. Collection method: clinical testing. Allele origin: germline.
Comment: The SH2B1 c.1202G>A variant is predicted to result in the amino acid substitution p.Arg401Lys. To our knowledge, this variant has not been reported in the literature. This variant is reported in 0.0039% of alleles in individuals of European (non-Finnish) descent in gnomAD. At this time, the clinical significance of this variant is uncertain due to the absence of conclusive functional and genetic evidence.